The following is an entry in ClinVar:

ClinVar aggregate classification (germline): Pathogenic (1 of 4 stars; one submission).

Conditions:
Tumor predisposition syndrome 3 (TPDS3). Also called: Glioma susceptibility 9; LONG TELOMERE SYNDROME, POT1-RELATED; POT1 Tumor Predisposition; Melanoma, cutaneous malignant, susceptibility to, 10. Identifiers: Orphanet 618, MedGen C4014476, MONDO:0014368, OMIM 615848.

Submission:

Labcorp Genetics (formerly Invitae), Labcorp
Classification: Pathogenic for Tumor predisposition syndrome 3. Last evaluated: 2021-08-26. Review status: criteria provided, single submitter. Criteria: Invitae Variant Classification Sherloc (09022015). Collection method: clinical testing. Allele origin: germline.
Comment: This variant is a gross deletion of the genomic region encompassing exon(s) 6 of the POT1 gene. This deletion is out-of-frame, and is expected to create a premature termination codon and result in an absent or disrupted protein product. Loss-of-function variants in POT1 are known to be pathogenic (PMID: 32155570). This variant has not been reported in the literature in individuals affected with POT1-related conditions. For these reasons, this variant has been classified as Pathogenic.

Literature cited by the submitters: PubMed 32155570.

NC_000007.14:g.(?_124892256)_(124892390_?)del

Gene: POT1 (protection of telomeres 1; minus strand). Cytogenetic location: 7q31.33.
Variant type: Deletion.
Identifiers: ClinVar variation 831698 (VCV000831698.6).